The following is an entry in ClinVar:

NM_020461.4(TUBGCP6):c.4315+2T>C

Gene: TUBGCP6 (tubulin gamma complex component 6; minus strand). Cytogenetic location: 22q13.33.
Variant type: single nucleotide variant.
Coding change: c.4315+2T>C on transcript NM_020461.4 (MANE Select); the canonical splice donor site of the intron after coding-DNA position 4315, T replaced by C.
Molecular consequence: splice donor variant.
Genome position (GRCh38, 1-based): chr22:50,219,642, A>G on the plus strand (T>C on the coding strand, the complement: TUBGCP6 is on the minus strand). VCF-style: chr22-50219642-A-G. GRCh37 (hg19) VCF-style: chr22-50658071-A-G.
Identifiers: ClinVar variation 4720795 (VCV004720795.1).

ClinVar aggregate classification (germline): Likely pathogenic (1 of 4 stars; one submission).

Submission:

Labcorp Genetics (formerly Invitae), Labcorp
Classification: Likely pathogenic. Last evaluated: 2025-06-04. Review status: criteria provided, single submitter. Criteria: Invitae Variant Classification Sherloc (09022015). Collection method: clinical testing. Allele origin: germline.
Comment: This sequence change affects a donor splice site in intron 18 of the TUBGCP6 gene. It is expected to disrupt RNA splicing. Variants that disrupt the donor or acceptor splice site typically lead to a loss of protein function (PMID: 16199547), and loss-of-function variants in TUBGCP6 are known to be pathogenic (PMID: 25344692). This variant is not present in population databases (gnomAD no frequency). This variant has not been reported in the literature in individuals affected with TUBGCP6-related conditions. Algorithms developed to predict the effect of sequence changes on RNA splicing suggest that this variant may disrupt the consensus splice site. In summary, the currently available evidence indicates that the variant is pathogenic, but additional data are needed to prove that conclusively. Therefore, this variant has been classified as Likely Pathogenic.

Literature cited by the submitters: PubMed 16199547; PubMed 25344692.